The following is an entry in ClinVar:

NM_032043.3(BRIP1):c.3027A>G (p.Gly1009=)

Gene: BRIP1 (BRCA1 interacting DNA helicase 1; minus strand). Cytogenetic location: 17q23.2.
Variant type: single nucleotide variant.
Coding change: c.3027A>G on transcript NM_032043.3 (MANE Select); coding-DNA position 3027, A replaced by G.
Protein change: p.Gly1009=; no amino-acid change (glycine 1009 retained).
Molecular consequence: synonymous variant.
Genome position (GRCh38, 1-based): chr17:61,684,019, T>C on the plus strand (A>G on the coding strand, the complement: BRIP1 is on the minus strand). VCF-style: chr17-61684019-T-C. GRCh37 (hg19) VCF-style: chr17-59761380-T-C.
Identifiers: ClinVar variation 183937 (VCV000183937.18), dbSNP rs786201171, ClinGen allele CA187044.

ClinVar aggregate classification (germline): Benign/Likely benign. Review status: criteria provided, multiple submitters, no conflicts (2 of 4 stars). 5 submissions from 5 submitters: Benign (1); Likely benign (4). Last evaluated 2025-11-03.

Conditions:
Hereditary cancer-predisposing syndrome. Also called: Tumor predisposition; Hereditary Cancer Syndrome; Hereditary neoplastic syndrome; Neoplastic Syndromes, Hereditary. Identifiers: Orphanet 140162, MedGen C0027672, MeSH D009386, MONDO:0015356.
Familial cancer of breast. Also called: BREAST CANCER, FAMILIAL; hereditary breast carcinoma; Hereditary breast cancer. Identifiers: Orphanet 227535, MedGen C0346153, MONDO:0016419, OMIM 114480. Disease mechanism: loss of function.
Fanconi anemia complementation group J. Also called: BRIP1-Related Fanconi Anemia. Identifiers: Orphanet 84, MedGen C1836860, MONDO:0012187, OMIM 609054.

Allele frequency attached by ClinVar (database versions not stated): TOPMed 0.00001.

Submissions (5):

Labcorp Genetics (formerly Invitae), Labcorp
Classification: Likely benign for Familial cancer of breast; Fanconi anemia complementation group J. Last evaluated: 2025-11-03. Review status: criteria provided, single submitter. Criteria: Invitae Variant Classification Sherloc (09022015). Collection method: clinical testing. Allele origin: germline.

Myriad Genetics, Inc.
Classification: Benign for Familial cancer of breast. Last evaluated: 2024-09-09. Review status: criteria provided, single submitter. Criteria: Myriad Autosomal Dominant, Autosomal Recessive and X-Linked Classification Criteria (2023). Collection method: clinical testing. Allele origin: unknown.
Comment: This variant is considered benign. This variant is a silent/synonymous amino acid change and it is not expected to impact splicing.

Color Diagnostics, LLC DBA Color Health
Classification: Likely benign for Hereditary cancer-predisposing syndrome. Last evaluated: 2020-07-13. Review status: criteria provided, single submitter. Criteria: ACMG Guidelines, 2015. Collection method: clinical testing. Allele origin: germline.

Ambry Genetics
Classification: Likely benign for Hereditary cancer-predisposing syndrome. Last evaluated: 2020-07-07. Review status: criteria provided, single submitter. Criteria: Ambry Variant Classification Scheme 2023. Collection method: clinical testing. Allele origin: germline.

GeneDx
Classification: Likely benign. Last evaluated: 2016-08-15. Review status: criteria provided, single submitter. Criteria: GeneDx Variant Classification (06012015). Collection method: clinical testing. Allele origin: germline. Affected: yes.
Comment: This variant is considered likely benign or benign based on one or more of the following criteria: it is a conservative change, it occurs at a poorly conserved position in the protein, it is predicted to be benign by multiple in silico algorithms, and/or has population frequency not consistent with disease.